The following is an entry in ClinVar:

ClinVar aggregate classification (germline): Uncertain significance (1 of 4 stars; one submission).

Conditions:
Autosomal recessive early-onset Parkinson disease 7. Identifiers: Orphanet 2828, MedGen C1853445, MONDO:0011658, OMIM 606324.

Allele frequency attached by ClinVar (database versions not stated): gnomAD exomes below 0.00001; ExAC 0.00001; gnomAD 0.00001.

Submission:

Labcorp Genetics (formerly Invitae), Labcorp
Classification: Uncertain significance for Autosomal recessive early-onset Parkinson disease 7. Last evaluated: 2022-08-15. Review status: criteria provided, single submitter. Criteria: Invitae Variant Classification Sherloc (09022015). Collection method: clinical testing. Allele origin: germline.
Comment: This sequence change replaces alanine, which is neutral and non-polar, with serine, which is neutral and polar, at codon 6 of the PARK7 protein (p.Ala6Ser). This variant is not present in population databases (gnomAD no frequency). This variant has not been reported in the literature in individuals affected with PARK7-related conditions. ClinVar contains an entry for this variant (Variation ID: 1015099). Algorithms developed to predict the effect of missense changes on protein structure and function (SIFT, PolyPhen-2, Align-GVGD) all suggest that this variant is likely to be disruptive. In summary, the available evidence is currently insufficient to determine the role of this variant in disease. Therefore, it has been classified as a Variant of Uncertain Significance.

NM_007262.5(PARK7):c.16G>T (p.Ala6Ser)

Gene: PARK7 (Parkinsonism associated deglycase; plus strand). Cytogenetic location: 1p36.23.
Variant type: single nucleotide variant.
Coding change: c.16G>T on transcript NM_007262.5 (MANE Select); coding-DNA position 16, G replaced by T.
Protein change: p.Ala6Ser; replaces alanine 6 with serine.
Molecular consequence: missense variant.
Genome position (GRCh38, 1-based): chr1:7,962,801, G>T. VCF-style: chr1-7962801-G-T. GRCh37 (hg19) VCF-style: chr1-8022861-G-T.
Other names: c.16G>T, p.Ala6Ser (NM_001123377.2); short protein forms A6S.
Identifiers: ClinVar variation 1015099 (VCV001015099.8), dbSNP rs767539467, ClinGen allele CA569407.
Genomic context (GRCh38, chr1:7,962,801, plus strand): 5'-TTTTTTTTTTTTTTTTTTTAAGGCTTGTAAACATATAACATAAAAATGGCTTCCAAAAGA[G>T]CTCTGGTCATCCTGGCTAAAGGAGCAGAGGAAATGGAGACGGTCATCCCTGTAGATGTCA-3'
Protein context (NP_009193.2, residues 1-16): MASKR[Ala6Ser]LVILAKGAEE